The following is an entry in ClinVar:

NM_001111.5(ADAR):c.494T>A (p.Leu165His)

Gene: ADAR (adenosine deaminase RNA specific; minus strand). Cytogenetic location: 1q21.3.
Variant type: single nucleotide variant.
Coding change: c.494T>A on transcript NM_001111.5 (MANE Select); coding-DNA position 494, T replaced by A.
Protein change: p.Leu165His; replaces leucine 165 with histidine.
Molecular consequence: missense variant. On other transcripts: 5 prime UTR variant (6).
Genome position (GRCh38, 1-based): chr1:154,602,148, A>T on the plus strand (T>A on the coding strand, the complement: ADAR is on the minus strand). VCF-style: chr1-154602148-A-T. GRCh37 (hg19) VCF-style: chr1-154574624-A-T.
Other names: c.-392T>A (NM_001025107.3, NM_001193495.2, NM_001365046.1 and 3 more transcripts); c.521T>A, p.Leu174His (NM_001365045.1); c.494T>A, p.Leu165His (NM_015840.4, NM_015841.4); short protein forms L165H, L174H.
Identifiers: ClinVar variation 1009891 (VCV001009891.8), dbSNP rs1697924081, ClinGen allele CA342602001.
Genomic context (GRCh38, chr1:154,602,148, plus strand): 5'-AGCTTGCCCTTCTTTGCCAGGGAGTATAAAACTCGATTGATTTCTTTCTTCGGAGTCCCA[A>T]GTTTCCCAGACAGATCATGTGCTGTGGTGGCCTTCCCTTCCCCAAGCTCTTCCAGGAACT-3'
Protein context (NP_001102.3, residues 155-175): ATTAHDLSGK[Leu165His]GTPKKEINRV

ClinVar aggregate classification (germline): Uncertain significance (1 of 4 stars; one submission).

Conditions:
Aicardi-Goutieres syndrome 6 (AGS6). Identifiers: Orphanet 51, MedGen C3539013, MONDO:0014007, OMIM 615010.
Symmetrical dyschromatosis of extremities (DSH). Also called: RETICULATE ACROPIGMENTATION OF DOHI; SYMMETRIC DYSCHROMATOSIS OF THE EXTREMITIES; Dyschromatosis symmetrica hereditaria; DYSCHROMATOSIS SYMMETRICA HEREDITARIA 1. Identifiers: Orphanet 41, MedGen C0406775, MONDO:0007483, OMIM 127400.

Submission:

Labcorp Genetics (formerly Invitae), Labcorp
Classification: Uncertain significance for Aicardi-Goutieres syndrome 6; Symmetrical dyschromatosis of extremities. Last evaluated: 2021-07-19. Review status: criteria provided, single submitter. Criteria: Invitae Variant Classification Sherloc (09022015). Collection method: clinical testing. Allele origin: germline.
Comment: In summary, the available evidence is currently insufficient to determine the role of this variant in disease. Therefore, it has been classified as a Variant of Uncertain Significance. Algorithms developed to predict the effect of missense changes on protein structure and function are either unavailable or do not agree on the potential impact of this missense change (SIFT: "Deleterious"; PolyPhen-2: "Probably Damaging"; Align-GVGD: "Class C0"). This variant has not been reported in the literature in individuals with ADAR-related conditions. This variant is not present in population databases (ExAC no frequency). This sequence change replaces leucine with histidine at codon 165 of the ADAR protein (p.Leu165His). The leucine residue is moderately conserved and there is a moderate physicochemical difference between leucine and histidine.